The following is an entry in ClinVar:

ClinVar aggregate classification (germline): Pathogenic/Likely pathogenic. Review status: criteria provided, multiple submitters, no conflicts (2 of 4 stars). 2 submissions from 2 submitters: Pathogenic (1); Likely pathogenic (1). Last evaluated 2024-03-05.

Conditions:
Nephronophthisis. Also called: Juvenile Nephronophthisis. Identifiers: Orphanet 655, MedGen C0687120, MONDO:0019005, HP:0000090.
Infantile nephronophthisis (NPHP2). Also called: Nephronophthisis 2, infantile; Nephronophthisis 2. Identifiers: Orphanet 655, Orphanet 93591, MedGen C1865872, MONDO:0011190, OMIM 602088.

Allele frequency attached by ClinVar (database versions not stated): gnomAD exomes below 0.00001.

Submissions (2):

Fulgent Genetics
Classification: Likely pathogenic for Infantile nephronophthisis. Last evaluated: 2024-03-05. Review status: criteria provided, single submitter. Criteria: ACMG Guidelines, 2015. Collection method: clinical testing. Allele origin: germline.

Labcorp Genetics (formerly Invitae), Labcorp
Classification: Pathogenic for Nephronophthisis. Last evaluated: 2023-06-06. Review status: criteria provided, single submitter. Criteria: Invitae Variant Classification Sherloc (09022015). Collection method: clinical testing. Allele origin: germline.
Comment: For these reasons, this variant has been classified as Pathogenic. This sequence change creates a premature translational stop signal (p.Lys743Glufs*12) in the INVS gene. It is expected to result in an absent or disrupted protein product. Loss-of-function variants in INVS are known to be pathogenic (PMID: 12872123). This variant is not present in population databases (gnomAD no frequency). This variant has not been reported in the literature in individuals affected with INVS-related conditions.

Literature cited by the submitters: PubMed 12872123 (cited by Labcorp Genetics (formerly Invitae), Labcorp).

NM_014425.5(INVS):c.2225dup (p.Lys743fs)

Gene: INVS (inversin; plus strand). Cytogenetic location: 9q31.1.
Variant type: Duplication.
Coding change: c.2225dup on transcript NM_014425.5 (MANE Select); coding-DNA position 2225, one base duplicated (T; older notation c.2225dupT).
Protein change: p.Lys743fs; shifts the reading frame from lysine 743.
Molecular consequence: frameshift variant. On other transcripts: non-coding transcript variant (1).
Genome position (GRCh38, 1-based): chr9:100,292,482, T duplicated. VCF-style (leftmost placement, unchanged base first): chr9-100292481-G-GT. GRCh37 (hg19) VCF-style: chr9-103054763-G-GT.
Other names: c.1937dup, p.Lys647fs (NM_001318381.2); c.1247dup, p.Lys417fs (NM_001318382.2); short protein forms K647fs, K743fs, K417fs.
Identifiers: ClinVar variation 2977398 (VCV002977398.4), dbSNP rs2490115316, ClinGen allele CA2690992481.